The following is an entry in ClinVar:

NM_001144952.2(SDK2):c.5462G>A (p.Gly1821Glu)

Gene: SDK2 (sidekick cell adhesion molecule 2; minus strand). Cytogenetic location: 17q25.1.
Variant type: single nucleotide variant.
Coding change: c.5462G>A on transcript NM_001144952.2 (MANE Select); coding-DNA position 5462, G replaced by A.
Protein change: p.Gly1821Glu; replaces glycine 1821 with glutamic acid.
Molecular consequence: missense variant.
Genome position (GRCh38, 1-based): chr17:73,361,689, C>T on the plus strand (G>A on the coding strand, the complement: SDK2 is on the minus strand). VCF-style: chr17-73361689-C-T. GRCh37 (hg19) VCF-style: chr17-71357828-C-T.
Other names: short protein forms G1821E.
Identifiers: ClinVar variation 3033542 (VCV003033542.3), dbSNP rs138527765, ClinGen allele CA8742396.

ClinVar aggregate classification (germline): Uncertain significance. Review status: criteria provided, single submitter (1 of 4 stars). 2 submissions from 2 submitters: Uncertain significance (1). 1 of the submissions does not count toward it. Last evaluated 2025-08-11.

Conditions:
SDK2-related disorder. Also called: SDK2-related condition.

Allele frequency attached by ClinVar (database versions not stated): gnomAD 0.00119; 1000 Genomes Project 30x 0.00172; ExAC 0.00174; 1000 Genomes Project 0.00200; ESP Exome Variant Server 0.00008; TOPMed 0.00057; gnomAD exomes 0.00098.
gnomAD v4.1: 1,624 of 1,611,528 alleles (0.1%); highest among the groups gnomAD compares: East Asian, 1.3%; 7 homozygotes.

Submissions (2):

Ambry Genetics
Classification: Uncertain significance. Last evaluated: 2025-08-11. Review status: criteria provided, single submitter. Criteria: Ambry Variant Classification Scheme 2023. Collection method: clinical testing. Allele origin: germline.

PreventionGenetics, part of Exact Sciences
Classification: Benign for SDK2-related condition. Last evaluated: 2019-04-10. Review status: no assertion criteria provided. Collection method: clinical testing. Allele origin: germline. Not counted in ClinVar's aggregate classification.
Comment: This variant is classified as benign based on ACMG/AMP sequence variant interpretation guidelines (Richards et al. 2015 PMID: 25741868, with internal and published modifications).